The following is an entry in ClinVar:

NM_001376.5(DYNC1H1):c.5015_5016delinsCA (p.Val1672Ala)

Gene: DYNC1H1 (dynein cytoplasmic 1 heavy chain 1; plus strand). Cytogenetic location: 14q32.31.
Variant type: Indel.
Coding change: c.5015_5016delinsCA on transcript NM_001376.5 (MANE Select); coding-DNA positions 5015 to 5016, TT replaced by CA.
Protein change: p.Val1672Ala; replaces valine 1672 with alanine.
Molecular consequence: missense variant.
Genome position (GRCh38, 1-based): chr14:102,004,649-102,004,650, TT replaced by CA. VCF-style: chr14-102004649-TT-CA. GRCh37 (hg19) VCF-style: chr14-102470986-TT-CA.
Other names: short protein forms V1672A.
Identifiers: ClinVar variation 2200910 (VCV002200910.4), dbSNP rs2503738382, ClinGen allele CA2580088420.
Genomic context (GRCh38, chr14:102,004,649, plus strand): 5'-AACACTTCAAGAAGATGTTTGCTGGAGTTTCGAGCATCATCCTGAACGAGGATAACTCTG[TT>CA]GTTTTGGGTATTTCATCTCGGGAAGGAGAGGAGGTAAATTTATGTTCGTAACTTTTAAAA-3'
Protein context (NP_001367.2, residues 1662-1682): SSIILNEDNS[Val1672Ala]VLGISSREGE

ClinVar aggregate classification (germline): Uncertain significance (1 of 4 stars; one submission).

Conditions:
Charcot-Marie-Tooth disease axonal type 2O. Also called: Charcot-Marie-Tooth Neuropathy Type 2O; CHARCOT-MARIE-TOOTH NEUROPATHY, AXONAL, TYPE 2O; CHARCOT-MARIE-TOOTH DISEASE, AXONAL, AUTOSOMAL DOMINANT, TYPE 2O; Charcot-Marie-Tooth disease, axonal, type 20. Identifiers: Orphanet 284232, MedGen C3280220, MONDO:0013644, OMIM 614228.

Submission:

Labcorp Genetics (formerly Invitae), Labcorp
Classification: Uncertain significance for Charcot-Marie-Tooth disease axonal type 2O. Last evaluated: 2025-02-02. Review status: criteria provided, single submitter. Criteria: Invitae Variant Classification Sherloc (09022015). Collection method: clinical testing. Allele origin: germline.
Comment: This sequence change replaces valine, which is neutral and non-polar, with alanine, which is neutral and non-polar, at codon 1672 of the DYNC1H1 protein (p.Val1672Ala). Information on the frequency of this variant in the gnomAD database is not available, as this variant may be reported differently in the database. This variant has not been reported in the literature in individuals affected with DYNC1H1-related conditions. ClinVar contains an entry for this variant (Variation ID: 2200910). An algorithm developed to predict the effect of missense changes on protein structure and function (PolyPhen-2) suggests that this variant is likely to be tolerated. In summary, the available evidence is currently insufficient to determine the role of this variant in disease. Therefore, it has been classified as a Variant of Uncertain Significance.